The following is an entry in ClinVar:

ClinVar aggregate classification (germline): Uncertain significance (1 of 4 stars; one submission).

Conditions:
Cutis laxa, autosomal dominant 3 (ADCL3). Identifiers: Orphanet 90348, MedGen C4225268, MONDO:0014706, OMIM 616603.
Autosomal dominant spastic paraplegia type 9. Identifiers: MedGen C1832669, MONDO:0015091.
de Barsy syndrome. Also called: Cutis laxa-corneal clouding-oligophrenia syndrome. Identifiers: Orphanet 2962, MedGen C0268354, MONDO:0017569.

gnomAD v4.1: 1 of 1,614,160 alleles (0.000062%); highest among the groups gnomAD compares: Non-Finnish European, 0.000085%; no homozygotes.

Submission:

Labcorp Genetics (formerly Invitae), Labcorp
Classification: Uncertain significance for Autosomal dominant spastic paraplegia type 9; de Barsy syndrome; Cutis laxa, autosomal dominant 3. Last evaluated: 2022-12-07. Review status: criteria provided, single submitter. Criteria: Invitae Variant Classification Sherloc (09022015). Collection method: clinical testing. Allele origin: germline.
Comment: This sequence change replaces valine, which is neutral and non-polar, with leucine, which is neutral and non-polar, at codon 75 of the ALDH18A1 protein (p.Val75Leu). In summary, the available evidence is currently insufficient to determine the role of this variant in disease. Therefore, it has been classified as a Variant of Uncertain Significance. Advanced modeling of protein sequence and biophysical properties (such as structural, functional, and spatial information, amino acid conservation, physicochemical variation, residue mobility, and thermodynamic stability) has been performed at Invitae for this missense variant, however the output from this modeling did not meet the statistical confidence thresholds required to predict the impact of this variant on ALDH18A1 protein function. This variant has not been reported in the literature in individuals affected with ALDH18A1-related conditions. This variant is not present in population databases (gnomAD no frequency).

NM_002860.4(ALDH18A1):c.223G>T (p.Val75Leu)

Gene: ALDH18A1 (aldehyde dehydrogenase 18 family member A1; minus strand). Cytogenetic location: 10q24.1.
Variant type: single nucleotide variant.
Coding change: c.223G>T on transcript NM_002860.4 (MANE Select); coding-DNA position 223, G replaced by T.
Protein change: p.Val75Leu; replaces valine 75 with leucine.
Molecular consequence: missense variant. On other transcripts: intron variant (4).
Genome position (GRCh38, 1-based): chr10:95,643,072, C>A on the plus strand (G>T on the coding strand, the complement: ALDH18A1 is on the minus strand). VCF-style: chr10-95643072-C-A. GRCh37 (hg19) VCF-style: chr10-97402829-C-A.
Other names: c.223G>T, p.Val75Leu (NM_001017423.2, NM_001323413.2, NM_001323414.2 and 2 more transcripts); c.-78-9423G>T (NM_001323419.2); c.-30-5636G>T (NM_001323412.2, NM_001323418.2, NM_001323416.2); short protein forms V75L.
Identifiers: ClinVar variation 2942138 (VCV002942138.3), dbSNP rs1474543575, ClinGen allele CA377707810.